The following is an entry in ClinVar:

ClinVar aggregate classification (germline): Likely pathogenic. Review status: criteria provided, single submitter (1 of 4 stars). 2 submissions from 2 submitters: Likely pathogenic (1). 1 of the submissions does not count toward it. Last evaluated 2020-06-25.

Conditions:
Myopathy, distal, 6, adult-onset, autosomal dominant. Identifiers: MedGen C5203349, MONDO:0032853, OMIM 618655.

Submissions (2):

SIB Swiss Institute of Bioinformatics
Classification: Likely pathogenic for Myopathy, distal, 6, adult-onset, autosomal dominant. Last evaluated: 2020-06-25. Review status: criteria provided, single submitter. Criteria: ACMG Guidelines, 2015. Collection method: curation. Allele origin: unknown.
Comment: This variant is interpreted as likely pathogenic for Myopathy, distal, 6, adult onset, autosomal dominant. The following ACMG Tag(s) were applied: Absent from controls (or at extremely low frequency if recessive) in Exome Sequencing Project, 1000 Genomes Project, or Exome Aggregation Consortium (PM2); Prevalence in affected individuals statistically increased over controls (PS4 downgraded to supporting); Cosegregation with disease in multiple affected family members in a gene definitively known to cause the disease (PP1 upgraded to strong).

OMIM
Classification: Pathogenic for MYOPATHY, DISTAL, 6, ADULT-ONSET, AUTOSOMAL DOMINANT. Last evaluated: 2023-03-09. Review status: no assertion criteria provided. Collection method: literature only. Allele origin: germline. Not counted in ClinVar's aggregate classification.

Literature cited by the submitters: PubMed 30900782 (cited by SIB Swiss Institute of Bioinformatics and OMIM).

NM_001103.4(ACTN2):c.1459T>C (p.Cys487Arg)

Gene: ACTN2 (actinin alpha 2; plus strand). Cytogenetic location: 1q43.
Variant type: single nucleotide variant.
Coding change: c.1459T>C on transcript NM_001103.4 (MANE Select); coding-DNA position 1459, T replaced by C.
Protein change: p.Cys487Arg; replaces cysteine 487 with arginine.
Molecular consequence: missense variant.
Genome position (GRCh38, 1-based): chr1:236,747,719, T>C. VCF-style: chr1-236747719-T-C. GRCh37 (hg19) VCF-style: chr1-236911019-T-C.
Other names: c.1459T>C, p.Cys487Arg (NM_001278343.2); c.835T>C, p.Cys279Arg (NM_001278344.2); short protein forms C487R, C279R.
Identifiers: ClinVar variation 694348 (VCV000694348.5), dbSNP rs1572140109, ClinGen allele CA345383973.